The following is an entry in ClinVar:

NM_004438.5(EPHA4):c.858G>A (p.Thr286=)

Gene: EPHA4 (EPH receptor A4; minus strand). Cytogenetic location: 2q36.1.
Variant type: single nucleotide variant.
Coding change: c.858G>A on transcript NM_004438.5 (MANE Select); coding-DNA position 858, G replaced by A.
Protein change: p.Thr286=; no amino-acid change (threonine 286 retained).
Molecular consequence: synonymous variant.
Genome position (GRCh38, 1-based): chr2:221,501,138, C>T on the plus strand (G>A on the coding strand, the complement: EPHA4 is on the minus strand). VCF-style: chr2-221501138-C-T. GRCh37 (hg19) VCF-style: chr2-222365858-C-T.
Other names: c.858G>A, p.Thr286= (NM_001304536.2, NM_001363748.2); c.705G>A, p.Thr235= (NM_001304537.2).
Identifiers: ClinVar variation 4804723 (VCV004804723.1), dbSNP rs267599216.

ClinVar aggregate classification (germline): Uncertain significance (1 of 4 stars; one submission).

gnomAD v4.1: 101 of 1,611,778 alleles (0.0063%); highest among the groups gnomAD compares: African/African-American, 0.031%; no homozygotes.

Submission:

Labcorp Genetics (formerly Invitae), Labcorp
Classification: Uncertain significance. Last evaluated: 2025-08-11. Review status: criteria provided, single submitter. Criteria: Invitae Variant Classification Sherloc (09022015). Collection method: clinical testing. Allele origin: germline.
Comment: This sequence change affects codon 286 of the EPHA4 mRNA. It is a 'silent' change, meaning that it does not change the encoded amino acid sequence of the EPHA4 protein. This variant is present in population databases (rs267599216, gnomAD 0.05%). This variant has not been reported in the literature in individuals affected with EPHA4-related conditions. Algorithms developed to predict the effect of sequence changes on RNA splicing suggest that this variant may create or strengthen a splice site. In summary, the available evidence is currently insufficient to determine the role of this variant in disease. Therefore, it has been classified as a Variant of Uncertain Significance.